The following is an entry in ClinVar:

ClinVar aggregate classification (germline): Uncertain significance (1 of 4 stars; one submission).

Submission:

Ambry Genetics
Classification: Uncertain significance. Last evaluated: 2026-04-20. Review status: criteria provided, single submitter. Criteria: Ambry Variant Classification Scheme 2023. Collection method: clinical testing. Allele origin: germline.
Comment: The p.D460N variant (also known as c.1378G>A), located in coding exon 8 of the RNF43 gene, results from a G to A substitution at nucleotide position 1378. The aspartic acid at codon 460 is replaced by asparagine, an amino acid with highly similar properties. This amino acid position is conserved. In addition, this alteration is predicted to be tolerated by in silico analysis. Based on the available evidence, the clinical significance of this variant remains unclear.

NM_017763.6(RNF43):c.1378G>A (p.Asp460Asn)

Gene: RNF43 (ring finger protein 43; minus strand). Cytogenetic location: 17q22.
Variant type: single nucleotide variant.
Coding change: c.1378G>A on transcript NM_017763.6 (MANE Select); coding-DNA position 1378, G replaced by A.
Protein change: p.Asp460Asn; replaces aspartic acid 460 with asparagine.
Molecular consequence: missense variant.
Genome position (GRCh38, 1-based): chr17:58,358,398, C>T on the plus strand (G>A on the coding strand, the complement: RNF43 is on the minus strand). VCF-style: chr17-58358398-C-T. GRCh37 (hg19) VCF-style: chr17-56435759-C-T.
Other names: c.1378G>A, p.Asp460Asn (NM_001305544.3, NM_001438820.1, NM_001438821.1 and 1 more transcripts); c.997G>A, p.Asp333Asn (NM_001305545.2, NM_001437987.1); short protein forms D333N, D460N.
Identifiers: ClinVar variation 4863401 (VCV004863401.1).
Genomic context (GRCh38, chr17:58,358,398, plus strand): 5'-CCACAGAGTCACTGGAAGAGCCATGACAGGGCCCTGAGCTGGAGTCACTGGCTGGCCCAT[C>T]TGCCAGGTACCCACTGCGTTCTGTGCAATAGCTTTCTCCAGATCCACTGCTGTCAGGGGG-3'
Protein context (NP_060233.3, residues 450-470): YCTERSGYLA[Asp460Asn]GPASDSSSGP